The following is an entry in ClinVar:

ClinVar aggregate classification (germline): Uncertain significance (1 of 4 stars; one submission).

gnomAD v4.1: 1 of 1,528,124 alleles (0.000065%); highest among the groups gnomAD compares: Non-Finnish European, 0.000088%; no homozygotes.

Submission:

GeneDx
Classification: Uncertain significance. Last evaluated: 2025-08-15. Review status: criteria provided, single submitter. Criteria: GeneDx Variant Classification Process June 2021. Collection method: clinical testing. Allele origin: germline.
Comment: Not observed at significant frequency in large population cohorts (gnomAD); In silico analysis indicates that this variant does not alter splicing; Has not been previously published as pathogenic or benign to our knowledge

NM_017619.4(RNPC3):c.1207+3A>G

Gene: RNPC3 (RNA binding region (RNP1, RRM) containing 3; plus strand). Cytogenetic location: 1p21.1.
Variant type: single nucleotide variant.
Coding change: c.1207+3A>G on transcript NM_017619.4 (MANE Select); 3 bases into the intron after coding-DNA position 1207, A replaced by G.
Molecular consequence: intron variant.
Genome position (GRCh38, 1-based): chr1:103,545,105, A>G. VCF-style: chr1-103545105-A-G. GRCh37 (hg19) VCF-style: chr1-104087727-A-G.
Identifiers: ClinVar variation 3376054 (VCV003376054.2).